The following is an entry in ClinVar:

ClinVar aggregate classification (germline): Pathogenic/Likely pathogenic. Review status: criteria provided, multiple submitters, no conflicts (2 of 4 stars). 4 submissions from 4 submitters: Pathogenic (2); Likely pathogenic (1). 1 of the submissions does not count toward it. Last evaluated 2025-04-19.

Conditions:
Developmental and epileptic encephalopathy, 56. Also called: EPILEPTIC ENCEPHALOPATHY, EARLY INFANTILE, 56. Identifiers: MedGen C4540034, MONDO:0033365, OMIM 617665.

Submissions (4):

GeneDx
Classification: Pathogenic. Last evaluated: 2025-04-19. Review status: criteria provided, single submitter. Criteria: GeneDx Variant Classification Process June 2021. Collection method: clinical testing. Allele origin: germline. Affected: yes.
Comment: Not observed at significant frequency in large population cohorts (gnomAD); In silico analysis supports that this missense variant has a deleterious effect on protein structure/function; This variant is associated with the following publications: (PMID: 40186408, 33767733, 31926053, 38491959, 36243722, 39413657, 28777935, 35982159, 23934111)

Labcorp Genetics (formerly Invitae), Labcorp
Classification: Pathogenic. Last evaluated: 2022-10-26. Review status: criteria provided, single submitter. Criteria: Invitae Variant Classification Sherloc (09022015). Collection method: clinical testing. Allele origin: germline.
Comment: This sequence change replaces aspartic acid, which is acidic and polar, with glutamic acid, which is acidic and polar, at codon 129 of the YWHAG protein (p.Asp129Glu). This variant is not present in population databases (gnomAD no frequency). This missense change has been observed in individual(s) with Lennox-Gastaut syndrome (PMID: 23934111, 28777935). In at least one individual the variant was observed to be de novo. ClinVar contains an entry for this variant (Variation ID: 438806). Advanced modeling of protein sequence and biophysical properties (such as structural, functional, and spatial information, amino acid conservation, physicochemical variation, residue mobility, and thermodynamic stability) performed at Invitae indicates that this missense variant is expected to disrupt YWHAG protein function. For these reasons, this variant has been classified as Pathogenic.

SIB Swiss Institute of Bioinformatics
Classification: Likely pathogenic for Developmental and epileptic encephalopathy, 56. Last evaluated: 2018-04-16. Review status: criteria provided, single submitter. Criteria: ACMG Guidelines, 2015. Collection method: curation. Allele origin: germline.
Comment: This variant is interpreted as a Likely Pathogenic, for Epileptic encephalopathy, early infantile, 56, Autosomal Dominant inheritance. The following ACMG Tag(s) were applied: PM2 => Absent from controls (or at extremely low frequency if recessive) in Exome Sequencing Project, 1000 Genomes Project, or Exome Aggregation Consortium. PM6 => Assumed de novo, but without confirmation of paternity and maternity (PMID:28777935). PP3 => Multiple lines of computational evidence support a deleterious effect on the gene or gene product. PM1 => Located in a mutational hot spot and/or critical and well-established functional domain (e.g., active site of an enzyme) without benign variation (PMID:28777935).

OMIM
Classification: Pathogenic for DEVELOPMENTAL AND EPILEPTIC ENCEPHALOPATHY 56. Last evaluated: 2013-09-12. Review status: no assertion criteria provided. Collection method: literature only. Allele origin: germline. Not counted in ClinVar's aggregate classification.

Literature cited by the submitters: PubMed 23934111 (cited by Labcorp Genetics (formerly Invitae), Labcorp and OMIM); PubMed 28777935 (cited by 3 submitters).

NM_012479.4(YWHAG):c.387C>G (p.Asp129Glu)

Gene: YWHAG (tyrosine 3-monooxygenase/tryptophan 5-monooxygenase activation protein gamma; minus strand). Cytogenetic location: 7q11.23.
Variant type: single nucleotide variant.
Coding change: c.387C>G on transcript NM_012479.4 (MANE Select); coding-DNA position 387, C replaced by G.
Protein change: p.Asp129Glu; replaces aspartic acid 129 with glutamic acid.
Molecular consequence: missense variant.
Genome position (GRCh38, 1-based): chr7:76,329,934, G>C on the plus strand (C>G on the coding strand, the complement: YWHAG is on the minus strand). VCF-style: chr7-76329934-G-C. GRCh37 (hg19) VCF-style: chr7-75959251-G-C.
Other names: NM_012479.3:c.387C>G(p.Asp129Glu); short protein forms D129E.
Identifiers: ClinVar variation 438806 (VCV000438806.7), dbSNP rs1554616630, ClinGen allele CA367777399.